The following is an entry in ClinVar:

ClinVar aggregate classification (germline): Likely pathogenic. Review status: criteria provided, multiple submitters, no conflicts (2 of 4 stars). 4 submissions from 4 submitters: Likely pathogenic (2). 2 of the submissions do not count toward it. Last evaluated 2026-08-24.

Conditions:
Mitochondrial complex I deficiency, nuclear type 28. Also called: Mitochondrial complex 1 deficiency, nuclear type 28. Identifiers: MedGen C4748827, MONDO:0032632, OMIM 618249.
Mitochondrial complex I deficiency. Also called: NADH:Q(1) OXIDOREDUCTASE DEFICIENCY. Identifiers: MONDO:0100133, Orphanet 2609, MedGen C1838979, MeSH C537475.

Allele frequency attached by ClinVar (database versions not stated): gnomAD 0.00001; gnomAD exomes 0.00001 and 0.00002; ExAC 0.00003.

Submissions (4):

GeneDx
Classification: Likely pathogenic. Last evaluated: 2026-08-24. Review status: criteria provided, single submitter. Criteria: GeneDx Variant Classification Process June 2021. Collection method: clinical testing. Allele origin: germline.
Comment: Observed in homozygous state and in trans with another NDUFA13 variant in multiple unrelated patients with clinical features consistent with a NDUFA13-related disorder in published literature; and not observed in homozygous state in controls (PMID: 25901006, 40358162, 39963288, 40400026); In silico analysis supports that this missense variant has a deleterious effect on protein structure/function; This variant is associated with the following publications: (PMID: 31658717, 31589614, 25901006, 40358162, 39816196, 39963288, 33233646, 34827632, 27659873, 32722639, 40400026)

Victorian Clinical Genetics Services, Murdoch Childrens Research Institute
Classification: Likely pathogenic for Mitochondrial complex I deficiency, nuclear type 28. Last evaluated: 2024-10-09. Review status: criteria provided, single submitter. Criteria: ACMG Guidelines, 2015. Collection method: clinical testing. Allele origin: germline. Inheritance: Autosomal recessive inheritance. Affected: yes.
Comment: Based on the classification scheme VCGS_Germline_v1.3.4, this variant is classified as Likely pathogenic. Following criteria are met: 0102 - Loss of function is a known mechanism of disease in this gene and is associated with mitochondrial complex I deficiency, nuclear type 28 (MIM#618249) (PMIDs: 25901006, 32722639). (I) 0106 - This gene is associated with autosomal recessive disease. (I) 0200 - Variant is predicted to result in a missense amino acid change from arginine to histidine. (I) 0251 - This variant is heterozygous. (I) 0304 - Variant is present in gnomAD (v4) <0.01 for a recessive condition (15 heterozygotes, 0 homozygotes). (SP) 0309 - An alternative amino acid change at the same position has been observed in gnomAD (v4) (26 heterozygotes, 0 homozygotes). (I) 0502 - Missense variant with conflicting in silico predictions and uninformative conservation. (I) 0600 - Variant is located in the annotated GRIM-19 family domain (DECIPHER). (I) 0705 - No comparable missense variants have previous evidence for pathogenicity. (I) 0803 - This variant has limited previous evidence of pathogenicity in an unrelated individual. This variant has been observed as homozygous in two siblings with developmental delay, seizures, hypotonia and optic atrophy. The variant was confirmed to be heterozygous in their unaffected parents and an unaffected sibling (PMID: 25901006). (SP) 1001 - This variant has strong functional evidence supporting abnormal protein function. Western blot experiments in fibroblasts from patients homozygous for this variant showed reduced protein levels for NDUFA13 and other CI subunits. Blue native page experiments in these cells also showed a reduction in the abundance of CI and the CI, CIII, CIV supramolecular complex (PMID: 25901006). (I) Legend: (SP) - Supporting pathogenic, (I) - Information, (SB) - Supporting benign

OMIM
Classification: Pathogenic for MITOCHONDRIAL COMPLEX I DEFICIENCY, NUCLEAR TYPE 28. Last evaluated: 2024-07-16. Review status: no assertion criteria provided. Collection method: literature only. Allele origin: germline. Not counted in ClinVar's aggregate classification.

INSERM U1051, Institut des Neurosciences de Montpellier
Classification: Pathogenic for Mitochondrial complex I deficiency. Last evaluated: 2014-05-01. Review status: no assertion criteria provided. Collection method: research. Allele origin: biparental. Affected: yes. Observed: 5 variant alleles. Clinical features observed: early onset hypotonia, dyskinesia, sensorial deficiencies. Not counted in ClinVar's aggregate classification.

Literature cited by the submitters: PubMed 25901006 (cited by 3 submitters); PubMed 32722639 (cited by Victorian Clinical Genetics Services, Murdoch Childrens Research Institute).

NM_015965.7(NDUFA13):c.170G>A (p.Arg57His)

Genes: NDUFA13 (NADH:ubiquinone oxidoreductase subunit A13; plus strand), LOC125371495 (Sharpr-MPRA regulatory region 9511; plus strand). Cytogenetic location: 19p13.11.
Variant type: single nucleotide variant.
Coding change: c.170G>A on transcript NM_015965.7 (MANE Select); coding-DNA position 170, G replaced by A.
Protein change: p.Arg57His; replaces arginine 57 with histidine.
Molecular consequence: missense variant.
Genome position (GRCh38, 1-based): chr19:19,526,257, G>A. VCF-style: chr19-19526257-G-A. GRCh37 (hg19) VCF-style: chr19-19637066-G-A.
Other names: short protein forms R57H.
Identifiers: ClinVar variation 132643 (VCV000132643.8), dbSNP rs752513525, ClinGen allele CA9327697.
Genomic context (GRCh38, chr19:19,526,257, plus strand): 5'-CCATAGGGATTGGAACCCTGATCTACGGGCACTGGAGCATAATGAAGTGGAACCGTGAGC[G>A]CAGGTAGGGCCCCTGGTGGGCGTTGTCTGAAAGTGCCCCCCCGGCGAGTTGTCGGGGTCC-3'
Protein context (NP_057049.5, residues 47-67): HWSIMKWNRE[Arg57His]RRLQIEDFEA